The following is an entry in ClinVar:

ClinVar aggregate classification (germline): Uncertain significance (0 of 4 stars; one submission).

Conditions:
ATP2A2-related disorder. Also called: ATP2A2-Related Disorders; ATP2A2-related condition.

Submission:

PreventionGenetics, part of Exact Sciences
Classification: Uncertain significance for ATP2A2-related condition. Last evaluated: 2024-05-07. Review status: no assertion criteria provided. Collection method: clinical testing. Allele origin: germline.
Comment: The ATP2A2 c.2177C>T variant is predicted to result in the amino acid substitution p.Ala726Val. To our knowledge, this variant has not been reported in the literature or in a large population database, indicating this variant is rare. At this time, the clinical significance of this variant is uncertain due to the absence of conclusive functional and genetic evidence.

NM_170665.4(ATP2A2):c.2177C>T (p.Ala726Val)

Gene: ATP2A2 (ATPase sarcoplasmic/endoplasmic reticulum Ca2+ transporting 2; plus strand). Cytogenetic location: 12q24.11.
Variant type: single nucleotide variant.
Coding change: c.2177C>T on transcript NM_170665.4 (MANE Select); coding-DNA position 2177, C replaced by T.
Protein change: p.Ala726Val; replaces alanine 726 with valine.
Molecular consequence: missense variant.
Genome position (GRCh38, 1-based): chr12:110,342,307, C>T. VCF-style: chr12-110342307-C-T. GRCh37 (hg19) VCF-style: chr12-110780112-C-T.
Other names: c.2072C>T, p.Ala691Val (NM_001413013.1); c.2177C>T, p.Ala726Val (NM_001413014.1, NM_001681.4); c.1802C>T, p.Ala601Val (NM_001413015.1); short protein forms A601V, A691V, A726V.
Identifiers: ClinVar variation 3353752 (VCV003353752.1).